The following is an entry in ClinVar:

NM_144997.7(FLCN):c.613C>T (p.Leu205Phe)

Gene: FLCN (folliculin; minus strand). Cytogenetic location: 17p11.2.
Variant type: single nucleotide variant.
Coding change: c.613C>T on transcript NM_144997.7 (MANE Select); coding-DNA position 613, C replaced by T.
Protein change: p.Leu205Phe; replaces leucine 205 with phenylalanine.
Molecular consequence: missense variant.
Genome position (GRCh38, 1-based): chr17:17,223,927, G>A on the plus strand (C>T on the coding strand, the complement: FLCN is on the minus strand). VCF-style: chr17-17223927-G-A. GRCh37 (hg19) VCF-style: chr17-17127241-G-A.
Other names: c.667C>T, p.Leu223Phe (NM_001353229.2); c.613C>T, p.Leu205Phe (NM_001353230.2, NM_001353231.2, NM_144606.7); short protein forms L223F, L205F.
Identifiers: ClinVar variation 3653834 (VCV003653834.3).

ClinVar aggregate classification (germline): Uncertain significance. Review status: criteria provided, multiple submitters, no conflicts (2 of 4 stars). 2 submissions from 2 submitters: Uncertain significance (2). Last evaluated 2026-07-06.

Conditions:
Birt-Hogg-Dube syndrome. Also called: Birt Hogg Dubé syndrome. Identifiers: Orphanet 122, MedGen C0346010, MONDO:0800444.
Hereditary cancer-predisposing syndrome. Also called: Tumor predisposition; Hereditary neoplastic syndrome; Hereditary Cancer Syndrome; Neoplastic Syndromes, Hereditary. Identifiers: Orphanet 140162, MedGen C0027672, MeSH D009386, MONDO:0015356.

Submissions (2):

Ambry Genetics
Classification: Uncertain significance for Hereditary cancer-predisposing syndrome. Last evaluated: 2026-07-06. Review status: criteria provided, single submitter. Criteria: Ambry Variant Classification Scheme 2023. Collection method: clinical testing. Allele origin: germline.
Comment: The p.L205F variant (also known as c.613C>T), located in coding exon 3 of the FLCN gene, results from a C to T substitution at nucleotide position 613. The leucine at codon 205 is replaced by phenylalanine, an amino acid with highly similar properties. This amino acid position is conserved. In addition, this alteration is predicted to be tolerated by in silico analysis. Based on the available evidence, the clinical significance of this variant remains unclear.

Labcorp Genetics (formerly Invitae), Labcorp
Classification: Uncertain significance for Birt-Hogg-Dube syndrome. Last evaluated: 2024-05-19. Review status: criteria provided, single submitter. Criteria: Invitae Variant Classification Sherloc (09022015). Collection method: clinical testing. Allele origin: germline.
Comment: This sequence change replaces leucine, which is neutral and non-polar, with phenylalanine, which is neutral and non-polar, at codon 205 of the FLCN protein (p.Leu205Phe). This variant is not present in population databases (gnomAD no frequency). This variant has not been reported in the literature in individuals affected with FLCN-related conditions. Advanced modeling of protein sequence and biophysical properties (such as structural, functional, and spatial information, amino acid conservation, physicochemical variation, residue mobility, and thermodynamic stability) performed at Invitae indicates that this missense variant is not expected to disrupt FLCN protein function with a negative predictive value of 80%. In summary, the available evidence is currently insufficient to determine the role of this variant in disease. Therefore, it has been classified as a Variant of Uncertain Significance.